The following is an entry in ClinVar:

ClinVar aggregate classification (germline): Uncertain significance. Review status: criteria provided, single submitter (1 of 4 stars). 2 submissions from 2 submitters: Uncertain significance (1). 1 of the submissions does not count toward it. Last evaluated 2024-04-12.

Conditions:
SLITRK2-related condition.

gnomAD v4.1: 1 of 1,211,060 alleles (0.000083%); highest among the groups gnomAD compares: Non-Finnish European, 0.00011%; no homozygotes.

Submissions (2):

Labcorp Genetics (formerly Invitae), Labcorp
Classification: Uncertain significance. Last evaluated: 2024-04-12. Review status: criteria provided, single submitter. Criteria: Invitae Variant Classification Sherloc (09022015). Collection method: clinical testing. Allele origin: germline.
Comment: This sequence change replaces alanine, which is neutral and non-polar, with proline, which is neutral and non-polar, at codon 731 of the SLITRK2 protein (p.Ala731Pro). This variant is not present in population databases (gnomAD no frequency). This variant has not been reported in the literature in individuals affected with SLITRK2-related conditions. An algorithm developed to predict the effect of missense changes on protein structure and function (PolyPhen-2) suggests that this variant is likely to be tolerated. In summary, the available evidence is currently insufficient to determine the role of this variant in disease. Therefore, it has been classified as a Variant of Uncertain Significance.

PreventionGenetics, part of Exact Sciences
Classification: Uncertain significance for SLITRK2-related condition. Last evaluated: 2024-05-21. Review status: no assertion criteria provided. Collection method: clinical testing. Allele origin: germline. Not counted in ClinVar's aggregate classification.
Comment: The SLITRK2 c.2191G>C variant is predicted to result in the amino acid substitution p.Ala731Pro. To our knowledge, this variant has not been reported in the literature or in a large population database, indicating this variant is rare. At this time, the clinical significance of this variant is uncertain due to the absence of conclusive functional and genetic evidence.

NM_032539.5(SLITRK2):c.2191G>C (p.Ala731Pro)

Gene: SLITRK2 (SLIT and NTRK like family member 2; plus strand). Cytogenetic location: Xq27.3.
Variant type: single nucleotide variant.
Coding change: c.2191G>C on transcript NM_032539.5 (MANE Select); coding-DNA position 2191, G replaced by C.
Protein change: p.Ala731Pro; replaces alanine 731 with proline.
Molecular consequence: missense variant.
Genome position (GRCh38, 1-based): chrX:145,824,616, G>C. VCF-style: chrX-145824616-G-C. GRCh37 (hg19) VCF-style: chrX-144906134-G-C.
Other names: c.2191G>C, p.Ala731Pro (NM_001144003.3, NM_001144004.3, NM_001144005.3 and 4 more transcripts); short protein forms A731P.
Identifiers: ClinVar variation 3345089 (VCV003345089.3).
Genomic context (GRCh38, chrX:145,824,616, plus strand): 5'-TATTACCGAAACCTGCAAGAGTTCAGCTATAGCAACCTGGAGGAGAAAAAAGAAGAGCCA[G>C]CCACACCTGCTTACACAATAAGTGCCACTGAGCTGCTAGAAAAGCAGGCCACACCAAGAG-3'
Protein context (NP_115928.1, residues 721-741): SNLEEKKEEP[Ala731Pro]TPAYTISATE